The following is an entry in ClinVar:

ClinVar aggregate classification (germline): Uncertain significance. Review status: criteria provided, multiple submitters, no conflicts (2 of 4 stars). 2 submissions from 2 submitters: Uncertain significance (2). Last evaluated 2026-05-21.

Conditions:
BBS4-related disorder. Also called: BBS4-related condition.
Inborn genetic diseases. Identifiers: MedGen C0950123, MeSH D030342.

Allele frequency attached by ClinVar (database versions not stated): TOPMed below 0.00001; gnomAD 0.00001.
gnomAD v4.1: 12 of 1,614,086 alleles (0.00074%); highest among the groups gnomAD compares: Non-Finnish European, 0.001%; no homozygotes.

Submissions (2):

PreventionGenetics, part of Exact Sciences
Classification: Uncertain significance for BBS4-related condition. Last evaluated: 2026-05-21. Review status: criteria provided, single submitter. Criteria: ACMG Guidelines, 2015. Collection method: clinical testing. Allele origin: germline.
Comment: The BBS4 c.1359C>A variant is predicted to result in the amino acid substitution p.Ser453Arg. To our knowledge, this variant has not been reported in the literature. This variant is reported in 0.0016% of alleles in individuals of European (Non-Finnish) descent in gnomAD. At this time, the clinical significance of this variant is uncertain due to the absence of conclusive functional and genetic evidence.

Ambry Genetics
Classification: Uncertain significance for Inborn genetic diseases. Last evaluated: 2023-01-18. Review status: criteria provided, single submitter. Criteria: Ambry Variant Classification Scheme 2023. Collection method: clinical testing. Allele origin: germline.

NM_033028.5(BBS4):c.1359C>A (p.Ser453Arg)

Gene: BBS4 (Bardet-Biedl syndrome 4; plus strand). Cytogenetic location: 15q24.1.
Variant type: single nucleotide variant.
Coding change: c.1359C>A on transcript NM_033028.5 (MANE Select); coding-DNA position 1359, C replaced by A.
Protein change: p.Ser453Arg; replaces serine 453 with arginine.
Molecular consequence: missense variant. On other transcripts: non-coding transcript variant (2).
Genome position (GRCh38, 1-based): chr15:72,736,872, C>A. VCF-style: chr15-72736872-C-A. GRCh37 (hg19) VCF-style: chr15-73029213-C-A.
Other names: c.1359C>A (NM_033028.4); c.843C>A, p.Ser281Arg (NM_001252678.2); c.1290C>A, p.Ser430Arg (NM_001320665.2); short protein forms S430R, S453R, S281R.
Identifiers: ClinVar variation 2476499 (VCV002476499.3), dbSNP rs1409303030, ClinGen allele CA393080821.